The following is an entry in ClinVar:

NM_005475.3(SH2B3):c.449C>G (p.Ser150Trp)

Gene: SH2B3 (SH2B adaptor protein 3; plus strand). Cytogenetic location: 12q24.12.
Variant type: single nucleotide variant.
Coding change: c.449C>G on transcript NM_005475.3 (MANE Select); coding-DNA position 449, C replaced by G.
Protein change: p.Ser150Trp; replaces serine 150 with tryptophan.
Molecular consequence: missense variant.
Genome position (GRCh38, 1-based): chr12:111,418,594, C>G. VCF-style: chr12-111418594-C-G. GRCh37 (hg19) VCF-style: chr12-111856398-C-G.
Other names: short protein forms S150W.
Identifiers: ClinVar variation 3440863 (VCV003440863.3).
Genomic context (GRCh38, chr12:111,418,594, plus strand): 5'-CCGGGCCCTGCTCCTTCCAGCACTTTCGCCGCAGCCTCCGCCACATCTTCCGCCGCCGCT[C>G]GGCCGGGGAGCTGCCAGCGGCCCACACCGCTGCCGCCCCCGGGACCCCCGGAGAGGCTGC-3'
Protein context (NP_005466.1, residues 140-160): RSLRHIFRRR[Ser150Trp]AGELPAAHTA

ClinVar aggregate classification (germline): Uncertain significance. Review status: criteria provided, multiple submitters, no conflicts (2 of 4 stars). 2 submissions from 2 submitters: Uncertain significance (2). Last evaluated 2026-09-16.

Conditions:
Myeloproliferative neoplasm. Identifiers: Orphanet 98274, MedGen C1292778, MONDO:0020076.
Inborn genetic diseases. Identifiers: MedGen C0950123, MeSH D030342.

gnomAD v4.1: 1 of 1,490,906 alleles (0.000067%); highest among the groups gnomAD compares: Admixed American, 0.0021%; no homozygotes.

Submissions (2):

Dept of Medical Biology, Uskudar University
Classification: Uncertain significance for Myeloproliferative neoplasm. Last evaluated: 2026-09-16. Review status: criteria provided, single submitter. Criteria: Dept of Medical Biology Variant Classification. Collection method: research. Allele origin: unknown. Affected: yes. Observed: 1 variant allele.
Comment: PM2_supporting: rare in gnomAD v4.1 (allele frequency 7.5e-07). PP3: computational evidence supports a deleterious effect (SIFT 0.01 deleterious; PolyPhen-2 0.985 probably damaging). Classified as uncertain significance under the ACMG/AMP 2015 guidelines (PMID:25741868). Detected in a retrospective series of 256 BCR::ABL1-negative and JAK2 V617F-negative patients referred for molecular investigation of a suspected myeloproliferative neoplasm (May 2007 to January 2015) and re-interpreted under the ACMG/AMP 2015 criteria.

Ambry Genetics
Classification: Uncertain significance for Inborn genetic diseases. Last evaluated: 2024-12-12. Review status: criteria provided, single submitter. Criteria: Ambry Variant Classification Scheme 2023. Collection method: clinical testing. Allele origin: germline.
Comment: The p.S150W variant (also known as c.449C>G), located in coding exon 1 of the SH2B3 gene, results from a C to G substitution at nucleotide position 449. The serine at codon 150 is replaced by tryptophan, an amino acid with highly dissimilar properties. This amino acid position is conserved. In addition, this alteration is predicted to be tolerated by in silico analysis. Based on the available evidence, the clinical significance of this variant remains unclear.